The following is an entry in ClinVar:

NM_152564.5(VPS13B):c.11545G>A (p.Val3849Met)

Gene: VPS13B (vacuolar protein sorting 13 homolog B; plus strand). Cytogenetic location: 8q22.2.
Variant type: single nucleotide variant.
Coding change: c.11545G>A on transcript NM_152564.5 (MANE Select); coding-DNA position 11545, G replaced by A.
Protein change: p.Val3849Met; replaces valine 3849 with methionine.
Molecular consequence: missense variant.
Genome position (GRCh38, 1-based): chr8:99,871,497, G>A. VCF-style: chr8-99871497-G-A. GRCh37 (hg19) VCF-style: chr8-100883725-G-A.
Other names: c.11545G>A (NM_152564.4); c.11620G>A (NM_017890.3); c.11620G>A, p.Val3874Met (NM_017890.5); short protein forms V3849M, V3874M.
Identifiers: ClinVar variation 1006505 (VCV001006505.8), dbSNP rs781773703, ClinGen allele CA4825278.

ClinVar aggregate classification (germline): Uncertain significance. Review status: criteria provided, multiple submitters, no conflicts (2 of 4 stars). 4 submissions from 4 submitters: Uncertain significance (3). 1 of the submissions does not count toward it. Last evaluated 2026-07-21.

Conditions:
VPS13B-related disorder. Also called: VPS13B-related condition.
Cohen syndrome (COH1). Also called: Cutis verticis gyrata, retinitis pigmentosa, and sensorineural deafness; PEPPER SYNDROME. Identifiers: Orphanet 193, MedGen C0265223, MONDO:0008999, OMIM 216550.
Inborn genetic diseases. Identifiers: MedGen C0950123, MeSH D030342.

Allele frequency attached by ClinVar (database versions not stated): gnomAD 0.00001; gnomAD exomes 0.00001 and 0.00002; TOPMed 0.00001; ExAC 0.00002.
gnomAD v4.1: 29 of 1,614,104 alleles (0.0018%); highest among the groups gnomAD compares: Admixed American, 0.0033%; no homozygotes.

Submissions (4):

PreventionGenetics, part of Exact Sciences
Classification: Uncertain significance for VPS13B-related condition. Last evaluated: 2026-07-21. Review status: criteria provided, single submitter. Criteria: ACMG Guidelines, 2015. Collection method: clinical testing. Allele origin: germline.
Comment: The VPS13B c.11545G>A variant is predicted to result in the amino acid substitution p.Val3849Met. To our knowledge, this variant has not been reported in the literature. This variant is reported in 0.0062% of alleles in individuals of African descent in gnomAD. At this time, the clinical significance of this variant is uncertain due to the absence of conclusive functional and genetic evidence.

Ambry Genetics
Classification: Uncertain significance for Inborn genetic diseases. Last evaluated: 2025-01-02. Review status: criteria provided, single submitter. Criteria: Ambry Variant Classification Scheme 2023. Collection method: clinical testing. Allele origin: germline.

Labcorp Genetics (formerly Invitae), Labcorp
Classification: Uncertain significance for Cohen syndrome. Last evaluated: 2024-10-15. Review status: criteria provided, single submitter. Criteria: Invitae Variant Classification Sherloc (09022015). Collection method: clinical testing. Allele origin: germline.
Comment: This sequence change replaces valine, which is neutral and non-polar, with methionine, which is neutral and non-polar, at codon 3874 of the VPS13B protein (p.Val3874Met). This variant is present in population databases (rs781773703, gnomAD 0.007%). This variant has not been reported in the literature in individuals affected with VPS13B-related conditions. ClinVar contains an entry for this variant (Variation ID: 1006505). Invitae Evidence Modeling of protein sequence and biophysical properties (such as structural, functional, and spatial information, amino acid conservation, physicochemical variation, residue mobility, and thermodynamic stability) indicates that this missense variant is expected to disrupt VPS13B protein function with a positive predictive value of 80%. In summary, the available evidence is currently insufficient to determine the role of this variant in disease. Therefore, it has been classified as a Variant of Uncertain Significance.

Natera, Inc.
Classification: Uncertain significance for Cohen syndrome. Last evaluated: 2021-08-17. Review status: no assertion criteria provided. Collection method: clinical testing. Allele origin: germline. Not counted in ClinVar's aggregate classification.